The following is an entry in ClinVar:

ClinVar aggregate classification (germline): Uncertain significance. Review status: criteria provided, multiple submitters, no conflicts (2 of 4 stars). 2 submissions from 2 submitters: Uncertain significance (2). Last evaluated 2025-09-15.

Conditions:
Hypokalemic periodic paralysis, type 1. Also called: HypoPP; Hypokalemic Periodic Paralysis Type 1 (AD). Identifiers: Orphanet 681, MedGen C3714580, MONDO:0042979, OMIM 170400.
Malignant hyperthermia, susceptibility to, 5 (MHS5). Also called: CACNA1S-Related Malignant Hyperthermia Susceptibility. Identifiers: Orphanet 423, MedGen C1866077, MONDO:0011163, OMIM 601887.

Allele frequency attached by ClinVar (database versions not stated): TOPMed below 0.00001; gnomAD 0.00001.
gnomAD v4.1: 28 of 1,613,866 alleles (0.0017%); highest among the groups gnomAD compares: Non-Finnish European, 0.0022%; no homozygotes.

Submissions (2):

Color Diagnostics, LLC DBA Color Health
Classification: Uncertain significance for Malignant hyperthermia, susceptibility to, 5. Last evaluated: 2025-09-15. Review status: criteria provided, single submitter. Criteria: ACMG Guidelines, 2015. Collection method: clinical testing. Allele origin: germline.
Comment: This missense variant replaces leucine with valine at codon 34 of the CACNA1S protein. Computational prediction suggests that this variant may not impact protein structure and function. To our knowledge, functional studies have not been reported for this variant. This variant has not been reported in individuals affected with CACNA1S-related disorders in the literature. This variant has been identified in 1/251468 chromosomes in the general population by the Genome Aggregation Database (gnomAD). The available evidence is insufficient to determine the role of this variant in disease conclusively. Therefore, this variant is classified as a Variant of Uncertain Significance.

Labcorp Genetics (formerly Invitae), Labcorp
Classification: Uncertain significance for Hypokalemic periodic paralysis, type 1; Malignant hyperthermia, susceptibility to, 5. Last evaluated: 2024-12-12. Review status: criteria provided, single submitter. Criteria: Invitae Variant Classification Sherloc (09022015). Collection method: clinical testing. Allele origin: germline.
Comment: This sequence change replaces leucine, which is neutral and non-polar, with valine, which is neutral and non-polar, at codon 34 of the CACNA1S protein (p.Leu34Val). This variant is present in population databases (no rsID available, gnomAD 0.003%). This variant has not been reported in the literature in individuals affected with CACNA1S-related conditions. ClinVar contains an entry for this variant (Variation ID: 2948720). Invitae Evidence Modeling of protein sequence and biophysical properties (such as structural, functional, and spatial information, amino acid conservation, physicochemical variation, residue mobility, and thermodynamic stability) has been performed for this missense variant. However, the output from this modeling did not meet the statistical confidence thresholds required to predict the impact of this variant on CACNA1S protein function. In summary, the available evidence is currently insufficient to determine the role of this variant in disease. Therefore, it has been classified as a Variant of Uncertain Significance.

NM_000069.3(CACNA1S):c.100C>G (p.Leu34Val)

Gene: CACNA1S (calcium voltage-gated channel subunit alpha1 S; minus strand). Cytogenetic location: 1q32.1.
Variant type: single nucleotide variant.
Coding change: c.100C>G on transcript NM_000069.3 (MANE Select); coding-DNA position 100, C replaced by G.
Protein change: p.Leu34Val; replaces leucine 34 with valine.
Molecular consequence: missense variant.
Genome position (GRCh38, 1-based): chr1:201,112,240, G>C on the plus strand (C>G on the coding strand, the complement: CACNA1S is on the minus strand). VCF-style: chr1-201112240-G-C. GRCh37 (hg19) VCF-style: chr1-201081368-G-C.
Other names: short protein forms L34V.
Identifiers: ClinVar variation 2948720 (VCV002948720.4), dbSNP rs1408297288, ClinGen allele CA344157983.